The following is an entry in ClinVar:

NM_003079.5(SMARCE1):c.899A>G (p.Gln300Arg)

Gene: SMARCE1 (SWI/SNF related BAF chromatin remodeling complex subunit E1; minus strand). Cytogenetic location: 17q21.2.
Variant type: single nucleotide variant.
Coding change: c.899A>G on transcript NM_003079.5 (MANE Select); coding-DNA position 899, A replaced by G.
Protein change: p.Gln300Arg; replaces glutamine 300 with arginine.
Molecular consequence: missense variant.
Genome position (GRCh38, 1-based): chr17:40,630,842, T>C on the plus strand (A>G on the coding strand, the complement: SMARCE1 is on the minus strand). VCF-style: chr17-40630842-T-C. GRCh37 (hg19) VCF-style: chr17-38787094-T-C.
Other names: short protein forms Q300R.
Identifiers: ClinVar variation 842144 (VCV000842144.9), dbSNP rs766568737, ClinGen allele CA8545141.

ClinVar aggregate classification (germline): Uncertain significance (1 of 4 stars; one submission).

Conditions:
Familial meningioma. Also called: Meningioma, familial, susceptibility to. Identifiers: Orphanet 263662, MedGen C3551915, MONDO:0011789, OMIM 607174.

Allele frequency attached by ClinVar (database versions not stated): gnomAD exomes below 0.00001; ExAC 0.00001.
gnomAD v4.1: 1 of 1,614,096 alleles (0.000062%); highest among the groups gnomAD compares: South Asian, 0.0011%; no homozygotes.

Submission:

Labcorp Genetics (formerly Invitae), Labcorp
Classification: Uncertain significance for Familial meningioma. Last evaluated: 2025-08-04. Review status: criteria provided, single submitter. Criteria: Invitae Variant Classification Sherloc (09022015). Collection method: clinical testing. Allele origin: germline.
Comment: This sequence change replaces glutamine, which is neutral and polar, with arginine, which is basic and polar, at codon 300 of the SMARCE1 protein (p.Gln300Arg). This variant is present in population databases (rs766568737, gnomAD 0.003%). This variant has not been reported in the literature in individuals affected with SMARCE1-related conditions. ClinVar contains an entry for this variant (Variation ID: 842144). Invitae Evidence Modeling of protein sequence and biophysical properties (such as structural, functional, and spatial information, amino acid conservation, physicochemical variation, residue mobility, and thermodynamic stability) indicates that this missense variant is not expected to disrupt SMARCE1 protein function with a negative predictive value of 80%. In summary, the available evidence is currently insufficient to determine the role of this variant in disease. Therefore, it has been classified as a Variant of Uncertain Significance.